The following is an entry in ClinVar:

ClinVar aggregate classification (germline): Uncertain significance (1 of 4 stars; one submission).

Submission:

Labcorp Genetics (formerly Invitae), Labcorp
Classification: Uncertain significance. Last evaluated: 2023-10-12. Review status: criteria provided, single submitter. Criteria: Invitae Variant Classification Sherloc (09022015). Collection method: clinical testing. Allele origin: germline.
Comment: This sequence change affects an acceptor splice site in intron 13 of the DDX58 gene. It is expected to disrupt RNA splicing. Variants that disrupt the donor or acceptor splice site typically lead to a loss of protein function (PMID: 16199547), however the current clinical and genetic evidence is not sufficient to establish whether loss-of-function variants in DDX58 cause disease. This variant is not present in population databases (gnomAD no frequency). This variant has not been reported in the literature in individuals affected with DDX58-related conditions. Algorithms developed to predict the effect of sequence changes on RNA splicing suggest that this variant may disrupt the consensus splice site. In summary, the available evidence is currently insufficient to determine the role of this variant in disease. Therefore, it has been classified as a Variant of Uncertain Significance.

Literature cited by the submitters: PubMed 16199547.

NM_014314.4(RIGI):c.1924-1G>A

Gene: RIGI (RNA sensor RIG-I; minus strand). Cytogenetic location: 9p21.1.
Variant type: single nucleotide variant.
Coding change: c.1924-1G>A on transcript NM_014314.4 (MANE Select); the canonical splice acceptor site of the intron before coding-DNA position 1924, G replaced by A.
Molecular consequence: splice acceptor variant.
Genome position (GRCh38, 1-based): chr9:32,473,066, C>T on the plus strand (G>A on the coding strand, the complement: RIGI is on the minus strand). VCF-style: chr9-32473066-C-T. GRCh37 (hg19) VCF-style: chr9-32473064-C-T.
Other names: c.1315-1G>A (NM_001385912.1); c.1909-1G>A (NM_001385913.1); c.1918-1G>A (NM_001385907.1); c.1924-1G>A (NM_001385909.1); c.1480-1G>A (NM_001385914.1); c.1483-1G>A (NM_001385910.1).
Identifiers: ClinVar variation 2864068 (VCV002864068.3), dbSNP rs2489303785, ClinGen allele CA373147952.